The following is an entry in ClinVar:

ClinVar aggregate classification (germline): Uncertain significance (1 of 4 stars; one submission).

Conditions:
Episodic ataxia type 2 (EA2). Also called: ACETAZOLAMIDE-RESPONSIVE HEREDITARY PAROXYSMAL CEREBELLAR ATAXIA; CEREBELLAR ATAXIA, PAROXYSMAL, ACETAZOLAMIDE-RESPONSIVE; CEREBELLOPATHY, HEREDITARY PAROXYSMAL; EPISODIC ATAXIA, NYSTAGMUS-ASSOCIATED; ATAXIA, EPISODIC, WITH NYSTAGMUS; ATAXIA, FAMILIAL PAROXYSMAL. Identifiers: Orphanet 97, MedGen C1720416, MONDO:0007163, OMIM 108500.
Developmental and epileptic encephalopathy, 42 (DEE42A). Also called: DEVELOPMENTAL AND EPILEPTIC ENCEPHALOPATHY 42A; EPILEPTIC ENCEPHALOPATHY, EARLY INFANTILE, 42A; Epileptic encephalopathy, early infantile, 42. Identifiers: MedGen C4310716, MONDO:0014917, OMIM 617106.

Submission:

Labcorp Genetics (formerly Invitae), Labcorp
Classification: Uncertain significance for Developmental and epileptic encephalopathy, 42; Episodic ataxia type 2. Last evaluated: 2021-03-05. Review status: criteria provided, single submitter. Criteria: Invitae Variant Classification Sherloc (09022015). Collection method: clinical testing. Allele origin: germline.
Comment: In summary, the available evidence is currently insufficient to determine the role of this variant in disease. Therefore, it has been classified as a Variant of Uncertain Significance. Experimental studies and prediction algorithms are not available or were not evaluated, and the functional significance of this variant is currently unknown. This variant has been observed in individual(s) with clinical features of CACNA1A-related conditions (Invitae). This variant is not present in population databases (ExAC no frequency). This variant, c.712_726dup, results in the insertion of 5 amino acid(s) to the CACNA1A protein (p.Leu238_Ile242dup), but otherwise preserves the integrity of the reading frame.

NM_001127222.2(CACNA1A):c.712_726dup (p.Leu238_Ile242dup)

Gene: CACNA1A (calcium voltage-gated channel subunit alpha1 A; minus strand). Cytogenetic location: 19p13.13.
Variant type: Duplication.
Coding change: c.712_726dup on transcript NM_001127222.2 (MANE Select); coding-DNA positions 712 to 726, 15 bases duplicated (CTTATTTTTGCAATC).
Protein change: p.Leu238_Ile242dup.
Molecular consequence: inframe insertion.
Genome position (GRCh38, 1-based): chr19:13,365,375-13,365,389, GATTGCAAAAATAAG duplicated on the plus strand (CTTATTTTTGCAATC on the coding strand, the reverse complement: CACNA1A is on the minus strand); duplicating any 15 consecutive bases within chr19:13,365,375-13,365,400 gives the same sequence; the c. name uses the placement nearest the transcript's 3' end. VCF-style (leftmost placement, unchanged base first): chr19-13365374-T-TGATTGCAAAAATAAG. GRCh37 (hg19) VCF-style: chr19-13476188-T-TGATTGCAAAAATAAG.
Other names: c.712_726dup, p.Leu238_Ile242dup (NM_000068.4, NM_001127221.2, NM_001174080.2 and 1 more transcripts); c.712_726dupCTTATTTTTGCAATC (NM_001127221.1).
Identifiers: ClinVar variation 572963 (VCV000572963.9), dbSNP rs1568574602, ClinGen allele CA891843934.